The following is an entry in ClinVar:

ClinVar aggregate classification (germline): Uncertain significance. Review status: criteria provided, multiple submitters, no conflicts (2 of 4 stars). 3 submissions from 3 submitters: Uncertain significance (3). Last evaluated 2025-12-09.

Conditions:
BAP1-related tumor predisposition syndrome (TPDS1). Also called: BAP1 tumor predisposition syndrome; TUMOR PREDISPOSITION SYNDROME 1; Tumor susceptibility linked to germline BAP1 mutations; COMMON Syndrome. Identifiers: Orphanet 289539, MedGen C3280492, MONDO:0013692, OMIM 614327.
Hereditary cancer-predisposing syndrome. Also called: Tumor predisposition; Hereditary neoplastic syndrome; Neoplastic Syndromes, Hereditary; Hereditary Cancer Syndrome. Identifiers: Orphanet 140162, MedGen C0027672, MeSH D009386, MONDO:0015356.

Submissions (3):

Labcorp Genetics (formerly Invitae), Labcorp
Classification: Uncertain significance for BAP1-related tumor predisposition syndrome. Last evaluated: 2025-12-09. Review status: criteria provided, single submitter. Criteria: Invitae Variant Classification Sherloc (09022015). Collection method: clinical testing. Allele origin: germline.
Comment: This sequence change replaces serine, which is neutral and polar, with proline, which is neutral and non-polar, at codon 395 of the BAP1 protein (p.Ser395Pro). This variant is not present in population databases (gnomAD no frequency). This variant has not been reported in the literature in individuals affected with BAP1-related conditions. ClinVar contains an entry for this variant (Variation ID: 2579508). Invitae Evidence Modeling of protein sequence and biophysical properties (such as structural, functional, and spatial information, amino acid conservation, physicochemical variation, residue mobility, and thermodynamic stability) indicates that this missense variant is not expected to disrupt BAP1 protein function with a negative predictive value of 80%. In summary, the available evidence is currently insufficient to determine the role of this variant in disease. Therefore, it has been classified as a Variant of Uncertain Significance.

Ambry Genetics
Classification: Uncertain significance for Hereditary cancer-predisposing syndrome. Last evaluated: 2023-12-29. Review status: criteria provided, single submitter. Criteria: Ambry Variant Classification Scheme 2023. Collection method: clinical testing. Allele origin: germline.
Comment: The p.S395P variant (also known as c.1183T>C), located in coding exon 12 of the BAP1 gene, results from a T to C substitution at nucleotide position 1183. The serine at codon 395 is replaced by proline, an amino acid with similar properties. This amino acid position is conserved. In addition, the in silico prediction for this alteration is inconclusive. Since supporting evidence is limited at this time, the clinical significance of this alteration remains unclear.

GeneDx
Classification: Uncertain significance. Last evaluated: 2023-03-10. Review status: criteria provided, single submitter. Criteria: GeneDx Variant Classification Process June 2021. Collection method: clinical testing. Allele origin: germline. Affected: yes.
Comment: Not observed at significant frequency in large population cohorts (gnomAD); In silico analysis supports that this missense variant does not alter protein structure/function; Has not been previously published as pathogenic or benign to our knowledge

NM_004656.4(BAP1):c.1183T>C (p.Ser395Pro)

Gene: BAP1 (BRCA1 associated deubiquitinase 1; minus strand). Cytogenetic location: 3p21.1.
Variant type: single nucleotide variant.
Coding change: c.1183T>C on transcript NM_004656.4 (MANE Select); coding-DNA position 1183, T replaced by C.
Protein change: p.Ser395Pro; replaces serine 395 with proline.
Molecular consequence: missense variant.
Genome position (GRCh38, 1-based): chr3:52,404,520, A>G on the plus strand (T>C on the coding strand, the complement: BAP1 is on the minus strand). VCF-style: chr3-52404520-A-G. GRCh37 (hg19) VCF-style: chr3-52438536-A-G.
Other names: c.1129T>C, p.Ser377Pro (NM_001410772.1); short protein forms S377P, S395P.
Identifiers: ClinVar variation 2579508 (VCV002579508.5), dbSNP rs1705084779, ClinGen allele CA353103154.